The following is an entry in ClinVar:

ClinVar aggregate classification (germline): Conflicting classifications of pathogenicity. Review status: criteria provided, conflicting classifications (1 of 4 stars). 3 submissions from 3 submitters: Uncertain significance (2); Likely benign (1). Last evaluated 2025-10-27.

Conditions:
Alzheimer disease. Also called: Alzheimer's disease; Presenile and senile dementia. Identifiers: Orphanet 1020, MedGen C0002395, MeSH D000544, MONDO:0004975, HP:0002511.
Early-onset dementia of unclear type.

Allele frequency attached by ClinVar (database versions not stated): gnomAD exomes 0.00008 and 0.00013; ExAC 0.00014; ESP Exome Variant Server 0.00015; gnomAD 0.00025 and 0.00028; TOPMed 0.00028.
gnomAD v4.1: 157 of 1,613,714 alleles (0.0097%); highest among the groups gnomAD compares: African/African-American, 0.072%; 1 homozygote.

Submissions (3):

Labcorp Genetics (formerly Invitae), Labcorp
Classification: Likely benign for Alzheimer disease. Last evaluated: 2025-10-27. Review status: criteria provided, single submitter. Criteria: Invitae Variant Classification Sherloc (09022015). Collection method: clinical testing. Allele origin: germline.

Women's Health and Genetics/Laboratory Corporation of America, LabCorp
Classification: Uncertain significance. Last evaluated: 2025-07-18. Review status: criteria provided, single submitter. Criteria: LabCorp Variant Classification Summary - May 2015. Collection method: clinical testing. Allele origin: germline.
Comment: Variant summary: APP c.742G>A (p.Asp248Asn) results in a conservative amino acid change in the encoded protein sequence. Algorithms developed to predict the effect of missense changes on protein structure and function are either unavailable or do not agree on the potential impact of this missense change. The variant allele was found at a frequency of 0.00013 in 247256 control chromosomes (gnomAD). This frequency is not significantly higher than estimated for a pathogenic variant in APP causing Alzheimer Disease, allowing no conclusion about variant significance. c.742G>A has been observed in at least one individual affected with Alzheimer Disease (e.g., Cochran_2019). This report does not provide unequivocal conclusions about association of the variant with Alzheimer Disease. To our knowledge, no experimental evidence demonstrating an impact on protein function has been reported. The following publication has been ascertained in the context of this evaluation (PMID: 31836585). ClinVar contains an entry for this variant (Variation ID: 870542). Based on the evidence outlined above, the variant was classified as uncertain significance.

HudsonAlpha Institute for Biotechnology
Classification: Uncertain significance for Early-onset dementia of unclear type. Last evaluated: 2019-10-28. Review status: criteria provided, single submitter. Criteria: ACMG Guidelines, 2015. Collection method: research. Allele origin: unknown. Affected: yes.

Literature cited by the submitters: PubMed 31836585 (cited by Women's Health and Genetics/Laboratory Corporation of America, LabCorp).

NM_000484.4(APP):c.742G>A (p.Asp248Asn)

Gene: APP (amyloid beta precursor protein; minus strand). Cytogenetic location: 21q21.3.
Variant type: single nucleotide variant.
Coding change: c.742G>A on transcript NM_000484.4 (MANE Select); coding-DNA position 742, G replaced by A.
Protein change: p.Asp248Asn; replaces aspartic acid 248 with asparagine.
Molecular consequence: missense variant.
Genome position (GRCh38, 1-based): chr21:26,021,963, C>T on the plus strand (G>A on the coding strand, the complement: APP is on the minus strand). VCF-style: chr21-26021963-C-T. GRCh37 (hg19) VCF-style: chr21-27394279-C-T.
Other names: c.727G>A, p.Asp243Asn (NM_001136016.3); c.574G>A, p.Asp192Asn (NM_001136129.3, NM_001136130.3); c.637G>A, p.Asp213Asn (NM_001136131.3); c.742G>A, p.Asp248Asn (NM_001204301.2, NM_001204302.2, NM_001204303.2 and 3 more transcripts); short protein forms D243N, D192N, D213N, D248N.
Identifiers: ClinVar variation 870542 (VCV000870542.12), dbSNP rs200103591, ClinGen allele CA9987575.